The following is an entry in ClinVar:

ClinVar aggregate classification (germline): Uncertain significance (1 of 4 stars; one submission).

Conditions:
X-linked Emery-Dreifuss muscular dystrophy. Also called: Muscular dystrophy, tardive Emery-Dreifuss type, with contractures. Identifiers: Orphanet 261, Orphanet 98863, MedGen C0751337, MONDO:0010680.

Submission:

Labcorp Genetics (formerly Invitae), Labcorp
Classification: Uncertain significance for X-linked Emery-Dreifuss muscular dystrophy. Last evaluated: 2024-12-30. Review status: criteria provided, single submitter. Criteria: Invitae Variant Classification Sherloc (09022015). Collection method: clinical testing. Allele origin: germline.
Comment: This sequence change replaces glycine, which is neutral and non-polar, with valine, which is neutral and non-polar, at codon 24 of the EMD protein (p.Gly24Val). This variant is not present in population databases (gnomAD no frequency). This variant has not been reported in the literature in individuals affected with EMD-related conditions. Invitae Evidence Modeling of protein sequence and biophysical properties (such as structural, functional, and spatial information, amino acid conservation, physicochemical variation, residue mobility, and thermodynamic stability) has been performed for this missense variant. However, the output from this modeling did not meet the statistical confidence thresholds required to predict the impact of this variant on EMD protein function. In summary, the available evidence is currently insufficient to determine the role of this variant in disease. Therefore, it has been classified as a Variant of Uncertain Significance.

NM_000117.3(EMD):c.71G>T (p.Gly24Val)

Gene: EMD (emerin; plus strand). Cytogenetic location: Xq28.
Variant type: single nucleotide variant.
Coding change: c.71G>T on transcript NM_000117.3 (MANE Select); coding-DNA position 71, G replaced by T.
Protein change: p.Gly24Val; replaces glycine 24 with valine.
Molecular consequence: missense variant.
Genome position (GRCh38, 1-based): chrX:154,379,555, G>T. VCF-style: chrX-154379555-G-T. GRCh37 (hg19) VCF-style: chrX-153607915-G-T.
Other names: short protein forms G24V.
Identifiers: ClinVar variation 3667119 (VCV003667119.2).